The following is an entry in ClinVar:

NM_003921.5(BCL10):c.638G>A (p.Gly213Glu)

Gene: BCL10 (BCL10 immune signaling adaptor; minus strand). Cytogenetic location: 1p22.3.
Variant type: single nucleotide variant.
Coding change: c.638G>A on transcript NM_003921.5 (MANE Select); coding-DNA position 638, G replaced by A.
Protein change: p.Gly213Glu; replaces glycine 213 with glutamic acid.
Molecular consequence: missense variant.
Genome position (GRCh38, 1-based): chr1:85,267,691, C>T on the plus strand (G>A on the coding strand, the complement: BCL10 is on the minus strand). VCF-style: chr1-85267691-C-T. GRCh37 (hg19) VCF-style: chr1-85733374-C-T.
Other names: c.605G>A, p.Gly202Glu (NM_001320715.2); short protein forms G213E, G202E.
Identifiers: ClinVar variation 402410 (VCV000402410.16), dbSNP rs3768235, ClinGen allele CA929722.

ClinVar aggregate classification (germline): Benign/Likely benign. Review status: criteria provided, multiple submitters, no conflicts (2 of 4 stars). 5 submissions from 5 submitters: Benign (3); Likely benign (2). Last evaluated 2026-02-04.

Conditions:
Immunodeficiency 37 (IMD37). Identifiers: MedGen C4015195, MONDO:0014491, OMIM 616098.

Allele frequency attached by ClinVar (database versions not stated): ESP Exome Variant Server 0.04190; gnomAD 0.04435 and 0.04701; TOPMed 0.04663; gnomAD exomes 0.06020 and 0.06508; ExAC 0.06402; 1000 Genomes Project 30x 0.06902; 1000 Genomes Project 0.07208.

Submissions (5):

Labcorp Genetics (formerly Invitae), Labcorp
Classification: Benign for Immunodeficiency 37. Last evaluated: 2026-02-04. Review status: criteria provided, single submitter. Criteria: Invitae Variant Classification Sherloc (09022015). Collection method: clinical testing. Allele origin: germline.

Women's Health and Genetics/Laboratory Corporation of America, LabCorp
Classification: Likely benign. Last evaluated: 2026-01-21. Review status: criteria provided, single submitter. Criteria: LabCorp Variant Classification Summary - May 2015. Collection method: clinical testing. Allele origin: germline.

Blueprint Genetics
Classification: Likely benign. Last evaluated: 2024-11-26. Review status: criteria provided, single submitter. Criteria: ACMG Guidelines, 2015. Collection method: clinical testing. Allele origin: germline.

Laboratory for Molecular Medicine, Mass General Brigham Personalized Medicine
Classification: Benign. Last evaluated: 2016-03-28. Review status: criteria provided, single submitter. Criteria: LMM Criteria. Collection method: clinical testing. Allele origin: germline.
Comment: Variant identified in a genome or exome case(s) and assessed due to predicted null impact of the variant or pathogenic assertions in the literature or databases. Disclaimer: This variant has not undergone full assessment. The following are preliminary notes: MAF

Breakthrough Genomics
Classification: Benign. Review status: criteria provided, single submitter. Criteria: ACMG Guidelines, 2015. Collection method: not provided. Allele origin: germline. Inheritance: Autosomal recessive inheritance. Affected: yes.